The following is an entry in ClinVar:

NM_006231.4(POLE):c.1320C>T (p.Asp440=)

Gene: POLE (DNA polymerase epsilon, catalytic subunit; minus strand). Cytogenetic location: 12q24.33.
Variant type: single nucleotide variant.
Coding change: c.1320C>T on transcript NM_006231.4 (MANE Select); coding-DNA position 1320, C replaced by T.
Protein change: p.Asp440=; no amino-acid change (aspartic acid 440 retained).
Molecular consequence: synonymous variant.
Genome position (GRCh38, 1-based): chr12:132,673,614, G>A on the plus strand (C>T on the coding strand, the complement: POLE is on the minus strand). VCF-style: chr12-132673614-G-A. GRCh37 (hg19) VCF-style: chr12-133250200-G-A.
Identifiers: ClinVar variation 3904269 (VCV003904269.1).

ClinVar aggregate classification (germline): Benign (1 of 4 stars; one submission).

Conditions:
Colorectal cancer, susceptibility to, 12 (CRCS12). Also called: COLORECTAL CANCER, SUSCEPTIBILITY TO, ON CHROMOSOME 12q24. Identifiers: Orphanet 220460, MedGen C3554460, MONDO:0014038, OMIM 615083.

gnomAD v4.1: 1 of 1,613,600 alleles (0.000062%); highest among the groups gnomAD compares: East Asian, 0.0022%; no homozygotes.

Submission:

Myriad Genetics, Inc.
Classification: Benign for Colorectal cancer, susceptibility to, 12. Last evaluated: 2025-02-10. Review status: criteria provided, single submitter. Criteria: Myriad Autosomal Dominant, Autosomal Recessive and X-Linked Classification Criteria (2023). Collection method: clinical testing. Allele origin: unknown.
Comment: This variant is considered benign. This variant is a silent/synonymous amino acid change and it is not expected to impact splicing.